The following is an entry in ClinVar:

ClinVar aggregate classification (germline): Uncertain significance (1 of 4 stars; one submission).

Conditions:
Evans syndrome, immunodeficiency, and premature immunosenescence associated with tripeptidyl-peptidase II deficiency. Identifiers: MedGen CN231723. Disease mechanism: loss of function.

Submission:

Labcorp Genetics (formerly Invitae), Labcorp
Classification: Uncertain significance for Evans syndrome, immunodeficiency, and premature immunosenescence associated with tripeptidyl-peptidase II deficiency. Last evaluated: 2019-12-02. Review status: criteria provided, single submitter. Criteria: Invitae Variant Classification Sherloc (09022015). Collection method: clinical testing. Allele origin: germline.
Comment: This variant has not been reported in the literature in individuals with TPP2-related conditions. This variant results in a copy number gain of the genomic region encompassing exons 1-28 of the TPP2 gene, which includes the initiator codon. The 5' end of this event is unknown as it extends beyond the assayed region for this gene and therefore may encompass additional genes. The 3' boundary is likely confined to intron 28 of the TPP2 gene. As the precise location of this event is unknown, it may be in tandem or it may be located elsewhere in the genome. In summary, the available evidence is currently insufficient to determine the role of this variant in disease. Therefore, it has been classified as a Variant of Uncertain Significance.

NC_000013.11:g.(?_102597019)_(102676435_?)dup

Gene: TPP2 (tripeptidyl peptidase 2; plus strand). Cytogenetic location: 13q33.1.
Variant type: Duplication.
Identifiers: ClinVar variation 830483 (VCV000830483.5).